The following is an entry in ClinVar:

ClinVar aggregate classification (germline): Uncertain significance (1 of 4 stars; one submission).

Conditions:
Brugada syndrome 8 (BRGDA8). Identifiers: Orphanet 130, MedGen C2751083, MONDO:0013148, OMIM 613123.

Allele frequency attached by ClinVar (database versions not stated): gnomAD exomes below 0.00001; TOPMed below 0.00001; gnomAD 0.00001.
gnomAD v4.1: 3 of 1,497,722 alleles (0.0002%); highest among the groups gnomAD compares: Non-Finnish European, 0.00018%; no homozygotes.

Submission:

Labcorp Genetics (formerly Invitae), Labcorp
Classification: Uncertain significance for Brugada syndrome 8. Last evaluated: 2019-08-27. Review status: criteria provided, single submitter. Criteria: Invitae Variant Classification Sherloc (09022015). Collection method: clinical testing. Allele origin: germline.
Comment: In summary, the available evidence is currently insufficient to determine the role of this variant in disease. Therefore, it has been classified as a Variant of Uncertain Significance. Algorithms developed to predict the effect of missense changes on protein structure and function are either unavailable or do not agree on the potential impact of this missense change (SIFT: "Deleterious"; PolyPhen-2: "Not Available"; Align-GVGD: "Class C65"). This variant has not been reported in the literature in individuals with HCN4-related conditions. The frequency data for this variant in the population databases is considered unreliable, as metrics indicate insufficient coverage at this position in the ExAC database. This sequence change replaces proline with leucine at codon 1021 of the HCN4 protein (p.Pro1021Leu). The proline residue is highly conserved and there is a moderate physicochemical difference between proline and leucine.

NM_005477.3(HCN4):c.3062C>T (p.Pro1021Leu)

Gene: HCN4 (hyperpolarization activated cyclic nucleotide gated potassium channel 4; minus strand). Cytogenetic location: 15q24.1.
Variant type: single nucleotide variant.
Coding change: c.3062C>T on transcript NM_005477.3 (MANE Select); coding-DNA position 3062, C replaced by T.
Protein change: p.Pro1021Leu; replaces proline 1021 with leucine.
Molecular consequence: missense variant.
Genome position (GRCh38, 1-based): chr15:73,323,031, G>A on the plus strand (C>T on the coding strand, the complement: HCN4 is on the minus strand). VCF-style: chr15-73323031-G-A. GRCh37 (hg19) VCF-style: chr15-73615372-G-A.
Other names: short protein forms P1021L.
Identifiers: ClinVar variation 943464 (VCV000943464.9), dbSNP rs1469282261, ClinGen allele CA393086288.